The following is an entry in ClinVar:

NM_004993.6(ATXN3):c.892CAG[10] (p.Gln304_Gln305dup)

Genes: ATXN3 (ataxin 3; minus strand), LOC108663987 (ataxin 3 repeat instability region; plus strand). Cytogenetic location: 14q32.12.
Variant type: Microsatellite.
Coding change: c.892CAG[10] on transcript NM_004993.6 (MANE Select); ten copies in a row of the 3-base unit CAG starting at c.892; the reference has eight copies in a row; two copies, 6 bases duplicated.
Protein change: p.Gln304_Gln305dup.
Molecular consequence: inframe insertion. On other transcripts: non-coding transcript variant (19).
Genome position (GRCh38, 1-based): chr14:92,071,011-92,071,016, CTGCTG duplicated on the plus strand (CAGCAG on the coding strand, the reverse complement: ATXN3 is on the minus strand); duplicating any 6 consecutive bases within chr14:92,071,011-92,071,034 gives the same sequence; the position shown is the placement nearest the transcript's 3' end. VCF-style (leftmost placement, unchanged base first): chr14-92071010-C-CCTGCTG. GRCh37 (hg19) VCF-style: chr14-92537354-C-CCTGCTG.
Other names: c.847CAG[10], p.Gln289_Gln290dup (NM_001127696.2); c.739CAG[10], p.Gln253_Gln254dup (NM_001127697.3); c.209CAG[10], p.Ala76_Ala77dup (NM_001164774.2); c.254CAG[10], p.Ala91_Ala92dup (NM_001164776.2); c.89CAG[10], p.Ala36_Ala37dup (NM_001164777.2); c.407CAG[10], p.Ala142_Ala143dup (NM_001164778.2); c.529CAG[10], p.Gln183_Gln184dup (NM_001164779.2); c.355CAG[10], p.Gln125_Gln126dup (NM_001164780.2); and 3 more.
Identifiers: ClinVar variation 599464 (VCV000599464.6), dbSNP rs193922928, ClinGen allele CA709937700.
Genomic context (GRCh38, chr14:92,071,010, plus strand): 5'-GTGCTCCTGAACTGGTGGCTGGCCTTTCACATGGATGTGAACTCTGTCCTGATAGGTCCC[C>CCTGCTG]CTGCTGCTGCTGCTGCTGCTGCTGTTGCTGCTTTTGCTGCTGTCTGAAACATTCAAAAGT-3'

ClinVar aggregate classification (germline): Benign/Likely benign. Review status: criteria provided, multiple submitters, no conflicts (2 of 4 stars). 2 submissions from 2 submitters: Benign (1); Likely benign (1). Last evaluated 2024-11-18.

Submissions (2):

Blueprint Genetics
Classification: Likely benign. Last evaluated: 2024-11-18. Review status: criteria provided, single submitter. Criteria: ACMG Guidelines, 2015. Collection method: clinical testing. Allele origin: germline.

Institute for Genomic Medicine (IGM) Clinical Laboratory, Nationwide Children's Hospital
Classification: Benign. Last evaluated: 2017-05-03. Review status: criteria provided, single submitter. Criteria: ACMG Guidelines, 2015. Collection method: clinical testing. Allele origin: germline.
Comment: Normal variation in repetative sequence